The following is an entry in ClinVar:

NM_000520.6(HEXA):c.1100_1111del (p.Gly367_Tyr370del)

Gene: HEXA (hexosaminidase subunit alpha; minus strand). Cytogenetic location: 15q23.
Variant type: Deletion.
Coding change: c.1100_1111del on transcript NM_000520.6 (MANE Select); coding-DNA positions 1100 to 1111, 12 bases deleted (GCAAGGGCTATG).
Protein change: p.Gly367_Tyr370del.
Molecular consequence: inframe deletion.
Genome position (GRCh38, 1-based): chr15:72,347,721-72,347,732, CATAGCCCTTGC deleted on the plus strand (GCAAGGGCTATG on the coding strand, the reverse complement: HEXA is on the minus strand); deleting any 12 consecutive bases within chr15:72,347,721-72,347,736 gives the same sequence; the c. name uses the placement nearest the transcript's 3' end. VCF-style (leftmost placement, unchanged base first): chr15-72347720-ACATAGCCCTTGC-A. GRCh37 (hg19) VCF-style: chr15-72640061-ACATAGCCCTTGC-A.
Other names: c.1133_1144del, p.Gly378_Tyr381del (NM_001318825.2); c.1100_1111delGCAAGGGCTATG (NM_000520.5).
Identifiers: ClinVar variation 3775075 (VCV003775075.4).
Genomic context (GRCh38, chr15:72,347,720, plus strand): 5'-TTCTTCTCTTCTCTGCCCCGGCTCACCTTTACTTTATTATCAAACACCTCCTGCCACACC[ACATAGCCCTTGC>A]CATAAGAAGAGACGATGTCCAGCAGCCTGGAGAGGAGAGGAGTGTCTAGTAAGTGTCTGC-3'

ClinVar aggregate classification (germline): Likely pathogenic. Review status: criteria provided, multiple submitters, no conflicts (2 of 4 stars). 4 submissions from 4 submitters: Likely pathogenic (4). Last evaluated 2026-05-20.

Conditions:
Tay-Sachs disease (TSD). Also called: GM2 gangliosidosis, type 1; Hexosaminidase alpha-subunit deficiency (variant B); Sphingolipidosis, Tay-Sachs; HEXA Disorders; Hexosaminidase A Deficiency; HEXA DEFICIENCY. Identifiers: Orphanet 845, MedGen C0039373, MONDO:0010100, OMIM 272800.

Submissions (4):

Myriad Genetics, Inc.
Classification: Likely pathogenic for Tay-Sachs disease. Last evaluated: 2026-05-20. Review status: criteria provided, single submitter. Criteria: Myriad Autosomal Dominant, Autosomal Recessive and X-Linked Classification Criteria (2023). Collection method: clinical testing. Allele origin: unknown.
Comment: NM_000520.4(HEXA):c.1100_1111del12(G367_Y370del) is an in-frame deletion classified as likely pathogenic in the context of hexosaminidase A deficiency. G367_Y370del has been observed in cases with relevant disease (PMID: 30712135, 12654063, 9851891). Relevant functional assessments of this variant are not available in the literature. G367_Y370del has not been observed in referenced population frequency databases. In summary, NM_000520.4(HEXA):c.1100_1111del12(G367_Y370del) is an in-frame deletion that has been observed more frequently in cases with the relevant disease than in healthy populations. Please note: this variant was assessed in the context of healthy population screening.

Revvity Omics, Revvity
Classification: Likely pathogenic for Tay-Sachs disease. Last evaluated: 2025-05-22. Review status: criteria provided, single submitter. Criteria: ACMG Guidelines, 2015. Collection method: clinical testing. Allele origin: germline.

Intergen Genetics and Rare Diseases Diagnosis Center
Classification: Likely pathogenic for Tay-Sachs disease. Last evaluated: 2025-03-18. Review status: criteria provided, single submitter. Criteria: ACMG Guidelines, 2015. Collection method: clinical testing. Allele origin: biparental. Inheritance: Autosomal recessive inheritance. Affected: yes. Observed: 1 homozygote.
Comment: Decreased enzyme activity was observed. PS3, PM2, PM4, PP4

Natera, Inc.
Classification: Likely pathogenic for Tay-Sachs disease. Last evaluated: 2024-11-18. Review status: criteria provided, single submitter. Criteria: Natera Variant Classification Schema (03/2026). Collection method: clinical testing. Allele origin: germline.
Comment: The c.1100_1111delGCAAGGGCTATG variant in HEXA is an in-frame deletion. This variant is rare in the general population with a frequency below the threshold expected for the associated phenotype(s). This variant has been observed in one or more individuals affected with the associated recessive disease, as either homozygous or compound heterozygous with a second variant (PMID: 30712135). Additionally, this variant has been observed to segregate in affected family members (PMID: 30712135). Functional studies show that this variant may disrupt protein function (PMID: 12689698, 15505380). This variant results in a change to the protein length while preserving reading frame, which may disrupt normal protein structure or function. Computational prediction algorithms indicate this variant is likely to affect gene or protein function. Given the available evidence, this variant is classified as Likely Pathogenic.

Literature cited by the submitters: PubMed 12654063 (cited by Myriad Genetics, Inc.); PubMed 30712135 (cited by Myriad Genetics, Inc. and Natera, Inc.); PubMed 9851891 (cited by Myriad Genetics, Inc.); PubMed 12689698 (cited by Natera, Inc.); PubMed 15505380 (cited by Natera, Inc.).